The following is an entry in ClinVar:

ClinVar aggregate classification (germline): Pathogenic. Review status: reviewed by expert panel (3 of 4 stars). 4 submissions from 4 submitters: Pathogenic (1). 3 of the submissions do not count toward it. Last evaluated 2017-12-15.

Conditions:
Hereditary breast ovarian cancer syndrome. Also called: Hereditary breast and ovarian cancer syndrome; Breast and ovarian cancer; BRCA1- and BRCA2-Associated Hereditary Breast and Ovarian Cancer; Hereditary breast and ovarian cancer syndrome (HBOC); Hereditary breast and ovarian cancer; Hereditary breast and/or ovarian cancer syndrome. Identifiers: Orphanet 145, MedGen C0677776, MeSH D061325, MONDO:0003582. Disease mechanism: loss of function.
Breast-ovarian cancer, familial, susceptibility to, 2 (BROVCA2). Also called: BRCA2 Hereditary Breast and Ovarian Cancer. Identifiers: Orphanet 145, MedGen C2675520, MONDO:0012933, OMIM 612555. Disease mechanism: loss of function.

Submissions (4):

Evidence-based Network for the Interpretation of Germline Mutant Alleles (ENIGMA)
Classification: Pathogenic for Breast-ovarian cancer, familial, susceptibility to, 2. Last evaluated: 2017-12-15. Review status: reviewed by expert panel. Criteria: ENIGMA BRCA1/2 Classification Criteria (2017-06-29). Collection method: curation. Allele origin: germline. Study: ENIGMA.
Comment: Variant allele predicted to encode a truncated non-functional protein.

Dasa
Classification: Pathogenic for Breast-ovarian cancer, familial, susceptibility to, 2. Last evaluated: 2025-05-28. Review status: criteria provided, single submitter. Criteria: DASA Assertion Criteria. Collection method: clinical testing. Allele origin: germline. Not counted in ClinVar's aggregate classification.
Comment: NM_000059.4(BRCA2):c.904dup (p.Thr302Asnfs*3) is a frameshift variant in BRCA2 predicted to alter the reading frame and introduce a premature termination codon and is predicted to result in an absent or altered protein product. Loss of function is an established disease mechanism for BRCA2 (PMID: 16199546; PMID: 17063271; PMID: 25632310). The affected residue or protein region has prior evidence supporting clinical relevance. Also, this variant is absent from population databases. Based on the currently available evidence, this variant is classified as pathogenic.

Labcorp Genetics (formerly Invitae), Labcorp
Classification: Pathogenic for Hereditary breast ovarian cancer syndrome. Last evaluated: 2022-03-12. Review status: criteria provided, single submitter. Criteria: Invitae Variant Classification Sherloc (09022015). Collection method: clinical testing. Allele origin: germline. Not counted in ClinVar's aggregate classification.
Comment: For these reasons, this variant has been classified as Pathogenic. This sequence change creates a premature translational stop signal (p.Thr302Asnfs*3) in the BRCA2 gene. It is expected to result in an absent or disrupted protein product. Loss-of-function variants in BRCA2 are known to be pathogenic (PMID: 20104584). This variant is not present in population databases (gnomAD no frequency). This premature translational stop signal has been observed in individual(s) with breast and/or ovarian cancer (PMID: 28724667, 31825140). ClinVar contains an entry for this variant (Variation ID: 548424).

Genesis Genomics
Classification: Pathogenic for Breast-ovarian cancer, familial, susceptibility to, 2. Review status: criteria provided, single submitter. Criteria: ACMG Guidelines, 2015. Collection method: clinical testing. Allele origin: germline. Affected: yes. Observed: 1 variant allele. Not counted in ClinVar's aggregate classification.

Literature cited by the submitters: PubMed 16199546 (cited by Dasa); PubMed 17063271 (cited by Dasa); PubMed 25632310 (cited by Dasa); PubMed 20104584 (cited by Labcorp Genetics (formerly Invitae), Labcorp); PubMed 28724667 (cited by Labcorp Genetics (formerly Invitae), Labcorp); PubMed 31825140 (cited by Labcorp Genetics (formerly Invitae), Labcorp).

NM_000059.4(BRCA2):c.904dup (p.Thr302fs)

Gene: BRCA2 (BRCA2 DNA repair associated; plus strand). Cytogenetic location: 13q13.1.
Variant type: Duplication.
Coding change: c.904dup on transcript NM_000059.4 (MANE Select); coding-DNA position 904, one base duplicated (A; older notation c.904dupA).
Protein change: p.Thr302fs; shifts the reading frame from threonine 302.
Molecular consequence: frameshift variant.
Genome position (GRCh38, 1-based): chr13:32,332,382, A duplicated. VCF-style (leftmost placement, unchanged base first): chr13-32332381-T-TA. GRCh37 (hg19) VCF-style: chr13-32906518-T-TA.
Other names: c.904dupA (NM_000059.3); short protein forms T302fs.
Identifiers: ClinVar variation 548424 (VCV000548424.11), dbSNP rs1555281627, ClinGen allele CA658823664.
Genomic context (GRCh38, chr13:32,332,381, plus strand): 5'-CCACATTGGAAAGTCAATGCCAAATGTCCTAGAAGATGAAGTATATGAAACAGTTGTAGA[T>TA]ACCTCTGAAGAAGATAGTTTTTCATTATGTTTTTCTAAATGTAGAACAAAAAATCTACAA-3'